The following is an entry in ClinVar:

ClinVar aggregate classification (germline): Uncertain significance (0 of 4 stars; one submission).

Conditions:
Angelman syndrome (AS). Also called: HAPPY PUPPET SYNDROME. Identifiers: Orphanet 72, MedGen C0162635, MONDO:0007113, OMIM 105830. Disease mechanism: loss of function. Inheritance: AS is caused by disruption of maternally imprinted UBE3A located within the 15q11.2-q13 Angelman syndrome/Prader-Willi syndrome (AS/PWS) region., imprinting disorder.

Allele frequency attached by ClinVar (database versions not stated): gnomAD exomes below 0.00001; ExAC 0.00001; ESP Exome Variant Server 0.00008.
gnomAD v4.1: 1 of 1,603,966 alleles (0.000062%); no homozygotes.

Submission:

Baylor Genetics
Classification: Uncertain significance for Angelman syndrome. Last evaluated: 2014-02-14. Review status: no assertion criteria provided. Collection method: clinical testing. Allele origin: maternal. Affected: yes. Observed: 2 variant alleles. Study: UBE3A Mutation Study.
Comment: possible diagnosis of Angelman syndrome

Data collected from clinical UBE3A sequence analysis results

Literature cited by the submitters: PubMed 25212744.

NM_130839.5(UBE3A):c.2499-40C>T

Genes: SNHG14 (small nucleolar RNA host gene 14; plus strand), UBE3A (ubiquitin protein ligase E3A; minus strand). Cytogenetic location: 15q11.2.
Variant type: single nucleotide variant.
Coding change: c.2499-40C>T on transcript NM_130839.5 (MANE Select); 40 bases into the intron before coding-DNA position 2499, C replaced by T.
Molecular consequence: intron variant.
Genome position (GRCh38, 1-based): chr15:25,339,297, G>A on the plus strand (C>T on the coding strand, the complement: UBE3A is on the minus strand). VCF-style: chr15-25339297-G-A. GRCh37 (hg19) VCF-style: chr15-25584444-G-A.
Other names: c.2322-40C>T (NM_001354546.2); c.1188-40C>T (NM_001354551.2); c.2274-40C>T (NM_001354549.2); c.2283-40C>T (NM_001354548.2, NM_001354547.2); c.2439-40C>T (NM_130838.4, NM_001354542.2, NM_001354523.2 and 14 more transcripts); c.1248-40C>T (NM_001354550.2); c.2343-40C>T (NM_001354545.2); c.2499-40C>T (NM_001354538.2, NM_001354505.1); and 1 more.
Identifiers: ClinVar variation 156128 (VCV000156128.1), dbSNP rs373042168, ClinGen allele CA333419.